The following is an entry in ClinVar:

NM_001182.5(ALDH7A1):c.312+6T>G

Gene: ALDH7A1 (aldehyde dehydrogenase 7 family member A1; minus strand). Cytogenetic location: 5q23.2.
Variant type: single nucleotide variant.
Coding change: c.312+6T>G on transcript NM_001182.5 (MANE Select); 6 bases into the intron after coding-DNA position 312, T replaced by G.
Molecular consequence: intron variant.
Genome position (GRCh38, 1-based): chr5:126,592,658, A>C on the plus strand (T>G on the coding strand, the complement: ALDH7A1 is on the minus strand). VCF-style: chr5-126592658-A-C. GRCh37 (hg19) VCF-style: chr5-125928350-A-C.
Other names: c.312+6T>G (NM_001202404.2); c.228+6T>G (NM_001201377.2).
Identifiers: ClinVar variation 1026739 (VCV001026739.7), dbSNP rs761501683, ClinGen allele CA3389813.

ClinVar aggregate classification (germline): Uncertain significance (1 of 4 stars; one submission).

Conditions:
Pyridoxine-dependent epilepsy (EPEO4). Also called: Pyridoxine-Dependent Epilepsy - ALDH7A1; Pyridoxine-Dependent Seizures; EPILEPSY, EARLY-ONSET, 4, VITAMIN B6-DEPENDENT; PYRIDOXINE DEPENDENCY WITH SEIZURES. Identifiers: Orphanet 3006, MedGen C1849508, MONDO:0009945, OMIM 266100. Disease mechanism: loss of function.

Allele frequency attached by ClinVar (database versions not stated): gnomAD exomes below 0.00001 and 0.00002; TOPMed 0.00001; ExAC 0.00001; gnomAD 0.00001.
gnomAD v4.1: 37 of 1,613,460 alleles (0.0023%); highest among the groups gnomAD compares: Non-Finnish European, 0.0031%; no homozygotes.

Submissions (2):

Labcorp Genetics (formerly Invitae), Labcorp
Classification: Uncertain significance for Pyridoxine-dependent epilepsy. Last evaluated: 2021-09-02. Review status: criteria provided, single submitter. Criteria: Invitae Variant Classification Sherloc (09022015). Collection method: clinical testing. Allele origin: germline.
Comment: This sequence change falls in intron 3 of the ALDH7A1 gene. It does not directly change the encoded amino acid sequence of the ALDH7A1 protein. It affects a nucleotide within the consensus splice site of the intron. This variant is present in population databases (rs761501683, ExAC 0.002%). This variant has not been reported in the literature in individuals affected with ALDH7A1-related conditions. Variants that disrupt the consensus splice site are a relatively common cause of aberrant splicing (PMID: 17576681, 9536098). Algorithms developed to predict the effect of sequence changes on RNA splicing suggest that this variant may disrupt the consensus splice site. In summary, the available evidence is currently insufficient to determine the role of this variant in disease. Therefore, it has been classified as a Variant of Uncertain Significance.

Dr. Peter K. Rogan Lab, Western University
No classification provided (evidence only). Condition: Gastric cancer. Review status: no classification provided. Collection method: in vitro. Allele origin: not applicable. Functional consequence: retained intron. Not counted in ClinVar's aggregate classification.

Literature cited by the submitters: PubMed 17576681 (cited by Labcorp Genetics (formerly Invitae), Labcorp); PubMed 9536098 (cited by Labcorp Genetics (formerly Invitae), Labcorp).